The following is an entry in ClinVar:

ClinVar aggregate classification (germline): Uncertain significance. Review status: criteria provided, multiple submitters, no conflicts (2 of 4 stars). 6 submissions from 6 submitters: Uncertain significance (6). Last evaluated 2026-07-22.

Conditions:
Inborn genetic diseases. Identifiers: MedGen C0950123, MeSH D030342.
Developmental delay, impaired growth, dysmorphic facies, and axonal neuropathy. Identifiers: MedGen C5436781, MONDO:0030835, OMIM 619090.
MORC2-related disorder. Also called: MORC2-related condition.
Charcot-Marie-Tooth disease axonal type 2Z. Also called: CHARCOT-MARIE-TOOTH DISEASE, AXONAL, AUTOSOMAL DOMINANT, TYPE 2Z; CHARCOT-MARIE-TOOTH NEUROPATHY, TYPE 2Z. Identifiers: Orphanet 466768, MedGen C5569025, MONDO:0014736, OMIM 616688.

Allele frequency attached by ClinVar (database versions not stated): ExAC 0.00004; gnomAD exomes 0.00004 and 0.00003; gnomAD 0.00006; TOPMed 0.00006; 1000 Genomes Project 30x 0.00016; 1000 Genomes Project 0.00020.
gnomAD v4.1: 50 of 1,614,162 alleles (0.0031%); highest among the groups gnomAD compares: Non-Finnish European, 0.0038%; no homozygotes.

Submissions (6):

PreventionGenetics, part of Exact Sciences
Classification: Uncertain significance for MORC2-related condition. Last evaluated: 2026-07-22. Review status: criteria provided, single submitter. Criteria: ACMG Guidelines, 2015. Collection method: clinical testing. Allele origin: germline.
Comment: The MORC2 c.2668G>A variant is predicted to result in the amino acid substitution p.Glu890Lys. To our knowledge, this variant has not been reported in the literature. This variant is reported in 0.0062% of alleles in individuals of European (Non-Finnish) descent in gnomAD. At this time, the clinical significance of this variant is uncertain due to the absence of conclusive functional and genetic evidence.

Labcorp Genetics (formerly Invitae), Labcorp
Classification: Uncertain significance for Charcot-Marie-Tooth disease axonal type 2Z. Last evaluated: 2025-11-10. Review status: criteria provided, single submitter. Criteria: Invitae Variant Classification Sherloc (09022015). Collection method: clinical testing. Allele origin: germline.
Comment: This sequence change replaces glutamic acid, which is acidic and polar, with lysine, which is basic and polar, at codon 890 of the MORC2 protein (p.Glu890Lys). This variant is present in population databases (rs201090445, gnomAD 0.005%). This variant has not been reported in the literature in individuals affected with MORC2-related conditions. ClinVar contains an entry for this variant (Variation ID: 871541). Invitae Evidence Modeling of protein sequence and biophysical properties (such as structural, functional, and spatial information, amino acid conservation, physicochemical variation, residue mobility, and thermodynamic stability) indicates that this missense variant is not expected to disrupt MORC2 protein function with a negative predictive value of 95%. In summary, the available evidence is currently insufficient to determine the role of this variant in disease. Therefore, it has been classified as a Variant of Uncertain Significance.

Blueprint Genetics
Classification: Uncertain significance. Last evaluated: 2024-09-09. Review status: criteria provided, single submitter. Criteria: ACMG Guidelines, 2015. Collection method: clinical testing. Allele origin: germline.

Ambry Genetics
Classification: Uncertain significance for Inborn genetic diseases. Last evaluated: 2021-02-26. Review status: criteria provided, single submitter. Criteria: Ambry Variant Classification Scheme 2023. Collection method: clinical testing. Allele origin: germline.
Comment: The p.E890K variant (also known as c.2668G>A), located in coding exon 23 of the MORC2 gene, results from a G to A substitution at nucleotide position 2668. The glutamic acid at codon 890 is replaced by lysine, an amino acid with similar properties. This amino acid position is poorly conserved in available vertebrate species. In addition, this alteration is predicted to be tolerated by in silico analysis. Since supporting evidence is limited at this time, the clinical significance of this alteration remains unclear.

CeGaT Center for Human Genetics Tuebingen
Classification: Uncertain significance. Last evaluated: 2019-07-01. Review status: criteria provided, single submitter. Criteria: CeGaT Center For Human Genetics Tuebingen Variant Classification Criteria Version 2. Collection method: clinical testing. Allele origin: germline. Affected: yes. Observed: 3 variant alleles.

Neuberg Centre For Genomic Medicine, NCGM
Classification: Uncertain significance for Developmental delay, impaired growth, dysmorphic facies, and axonal neuropathy. Review status: criteria provided, single submitter. Criteria: ACMG Guidelines, 2015. Collection method: clinical testing. Allele origin: germline. Inheritance: Autosomal dominant inheritance. Affected: yes.
Comment: The missense c.2668G>A (p.Glu890Lys) variant in the MORC2 gene has not been reported previously as a pathogenic variant nor as a benign variant, to our knowledge. This variant is reported with the allele frequency 0.003% in the gnomAD Exomes. This variant has been reported to the ClinVar database as Uncertain Significance. However, no details are available for independent assessment. The amino acid Glutamic acid at position 890 is changed to a Lysine changing protein sequence and it might alter its composition and physico-chemical properties. Computational evidence (Polyphen - Benign, SIFT – Damaging nd MutationTaster - Disease causing predicts conflicting evidence on protein structure and function for this variant. The amino acid change p.Glu890Lys in MORC2 is predicted as conserved by GERP++ and PhyloP across 100 vertebrates. For these reasons, this variant has been classified as Uncertain Significance.

NM_001303256.3(MORC2):c.2668G>A (p.Glu890Lys)

Gene: MORC2 (MORC family CW-type zinc finger 2; minus strand). Cytogenetic location: 22q12.2.
Variant type: single nucleotide variant.
Coding change: c.2668G>A on transcript NM_001303256.3 (MANE Select); coding-DNA position 2668, G replaced by A.
Protein change: p.Glu890Lys; replaces glutamic acid 890 with lysine.
Molecular consequence: missense variant.
Genome position (GRCh38, 1-based): chr22:30,932,624, C>T on the plus strand (G>A on the coding strand, the complement: MORC2 is on the minus strand). VCF-style: chr22-30932624-C-T. GRCh37 (hg19) VCF-style: chr22-31328611-C-T.
Other names: c.2668G>A, p.Glu890Lys (NM_001303257.2); c.2482G>A, p.Glu828Lys (NM_014941.3); short protein forms E828K, E890K.
Identifiers: ClinVar variation 871541 (VCV000871541.50), dbSNP rs201090445, ClinGen allele CA10186595.